The following is an entry in ClinVar:

NM_004415.4(DSP):c.8127A>G (p.Ala2709=)

Gene: DSP (desmoplakin; plus strand). Cytogenetic location: 6p24.3.
Variant type: single nucleotide variant.
Coding change: c.8127A>G on transcript NM_004415.4 (MANE Select); coding-DNA position 8127, A replaced by G.
Protein change: p.Ala2709=; no amino-acid change (alanine 2709 retained).
Molecular consequence: synonymous variant.
Genome position (GRCh38, 1-based): chr6:7,585,389, A>G. VCF-style: chr6-7585389-A-G. GRCh37 (hg19) VCF-style: chr6-7585622-A-G.
Other names: c.6330A>G, p.Ala2110= (NM_001008844.3); c.6798A>G, p.Ala2266= (NM_001319034.2).
Identifiers: ClinVar variation 2656215 (VCV002656215.24), dbSNP rs754444944, ClinGen allele CA051587.
Genomic context (GRCh38, chr6:7,585,389, plus strand): 5'-GCCTGCTCAGAAAGCCTTCATAGGCTTCGAGGGTGTGAAGGGAAAGAAGAAGATGTCAGC[A>G]GCAGAGGCAGTGAAAGAAAAATGGCTCCCGTATGAGGCTGGCCAGCGCTTCCTGGAGTTC-3'
Protein context (NP_004406.2, residues 2699-2719): EGVKGKKKMS[Ala2709=]AEAVKEKWLP

ClinVar aggregate classification (germline): Likely benign (1 of 4 stars; one submission).

Allele frequency attached by ClinVar (database versions not stated): ExAC 0.00001.

Submission:

CeGaT Center for Human Genetics Tuebingen
Classification: Likely benign. Last evaluated: 2022-06-01. Review status: criteria provided, single submitter. Criteria: CeGaT Center For Human Genetics Tuebingen Variant Classification Criteria Version 2. Collection method: clinical testing. Allele origin: germline. Affected: yes. Observed: 1 variant allele.
Comment: DSP: BP4, BP7